The following is an entry in ClinVar:

ClinVar aggregate classification (germline): Uncertain significance. Review status: criteria provided, multiple submitters, no conflicts (2 of 4 stars). 5 submissions from 5 submitters: Uncertain significance (5). Last evaluated 2026-05-27.

Conditions:
Inborn genetic diseases. Identifiers: MedGen C0950123, MeSH D030342.
Developmental and epileptic encephalopathy, 12 (DEE12). Identifiers: MedGen C3150988, MONDO:0013389, OMIM 613722.

Allele frequency attached by ClinVar (database versions not stated): ExAC 0.00011; gnomAD 0.00037 and 0.00036; ESP Exome Variant Server 0.00015; 1000 Genomes Project 30x 0.00016; TOPMed 0.00042; 1000 Genomes Project below 0.00001; gnomAD exomes 0.00007 and 0.00003.
gnomAD v4.1: 96 of 1,613,288 alleles (0.006%); highest among the groups gnomAD compares: African/African-American, 0.12%; no homozygotes.

Submissions (5):

Women's Health and Genetics/Laboratory Corporation of America, LabCorp
Classification: Uncertain significance. Last evaluated: 2026-05-27. Review status: criteria provided, single submitter. Criteria: LabCorp Variant Classification Summary - May 2015. Collection method: clinical testing. Allele origin: germline.
Comment: Variant summary: PNKP c.893C>T (p.Ala298Val) results in a non-conservative amino acid change in the encoded protein sequence. Algorithms developed to predict the effect of missense changes on protein structure and function are either unavailable or do not agree on the potential impact of this missense change. The variant allele was found at a frequency of 6.9e-05 in 245358 control chromosomes. This frequency is not significantly higher than estimated for disease-causing variants in PNKP, allowing no conclusion about variant significance. To our knowledge, no occurrence of c.893C>T in individuals affected with PNKP-related conditions and no experimental evidence demonstrating its impact on protein function have been reported. ClinVar contains an entry for this variant (Variation ID: 372615). Based on the evidence outlined above, the variant was classified as uncertain significance.

Ambry Genetics
Classification: Uncertain significance for Inborn genetic diseases. Last evaluated: 2025-12-16. Review status: criteria provided, single submitter. Criteria: Ambry Variant Classification Scheme 2023. Collection method: clinical testing. Allele origin: germline.

GeneDx
Classification: Uncertain significance. Last evaluated: 2024-06-23. Review status: criteria provided, single submitter. Criteria: GeneDx Variant Classification Process June 2021. Collection method: clinical testing. Allele origin: germline. Affected: yes.
Comment: In silico analysis supports that this missense variant has a deleterious effect on protein structure/function; Has not been previously published as pathogenic or benign to our knowledge; This variant is associated with the following publications: (PMID: 22508754)

Labcorp Genetics (formerly Invitae), Labcorp
Classification: Uncertain significance for Developmental and epileptic encephalopathy, 12. Last evaluated: 2022-10-18. Review status: criteria provided, single submitter. Criteria: Invitae Variant Classification Sherloc (09022015). Collection method: clinical testing. Allele origin: germline.
Comment: This sequence change replaces alanine, which is neutral and non-polar, with valine, which is neutral and non-polar, at codon 298 of the PNKP protein (p.Ala298Val). This variant is present in population databases (rs145615734, gnomAD 0.1%). This variant has not been reported in the literature in individuals affected with PNKP-related conditions. ClinVar contains an entry for this variant (Variation ID: 372615). Advanced modeling of protein sequence and biophysical properties (such as structural, functional, and spatial information, amino acid conservation, physicochemical variation, residue mobility, and thermodynamic stability) performed at Invitae indicates that this missense variant is not expected to disrupt PNKP protein function. In summary, the available evidence is currently insufficient to determine the role of this variant in disease. Therefore, it has been classified as a Variant of Uncertain Significance.

Eurofins Ntd Llc (ga)
Classification: Uncertain significance. Last evaluated: 2017-03-31. Review status: criteria provided, single submitter. Criteria: EGL Classification Definitions 2015. Collection method: clinical testing. Allele origin: germline. Observed: 1 variant allele, 1 heterozygote.

NM_007254.4(PNKP):c.893C>T (p.Ala298Val)

Gene: PNKP (polynucleotide kinase 3'-phosphatase; minus strand). Cytogenetic location: 19q13.33.
Variant type: single nucleotide variant.
Coding change: c.893C>T on transcript NM_007254.4 (MANE Select); coding-DNA position 893, C replaced by T.
Protein change: p.Ala298Val; replaces alanine 298 with valine.
Molecular consequence: missense variant.
Genome position (GRCh38, 1-based): chr19:49,862,581, G>A on the plus strand (C>T on the coding strand, the complement: PNKP is on the minus strand). VCF-style: chr19-49862581-G-A. GRCh37 (hg19) VCF-style: chr19-50365838-G-A.
Other names: short protein forms A298V.
Identifiers: ClinVar variation 372615 (VCV000372615.18), dbSNP rs145615734, ClinGen allele CA9586717.
Genomic context (GRCh38, chr19:49,862,581, plus strand): 5'-GGGGGCAGGGGCCTCACCAGGCGATCGGCGCAGGAGAAGTCTTTCTTCTTCCGCCCCGGG[G>A]CCCAGTTGGCCGGGCGTCCGGCTGCGTCTGGAACACACGGGACACCCCGTTCCCACCAGC-3'
Protein context (NP_009185.2, residues 288-308): GDAAGRPANW[Ala298Val]PGRKKKDFSC